The following is an entry in ClinVar:

ClinVar aggregate classification (germline): Uncertain significance. Review status: criteria provided, multiple submitters, no conflicts (2 of 4 stars). 2 submissions from 2 submitters: Uncertain significance (2). Last evaluated 2025-09-26.

Allele frequency attached by ClinVar (database versions not stated): TOPMed below 0.00001; ExAC 0.00001; gnomAD 0.00001; gnomAD exomes 0.00001.
gnomAD v4.1: 46 of 1,612,260 alleles (0.0029%); highest among the groups gnomAD compares: South Asian, 0.0055%; no homozygotes.

Submissions (2):

Mayo Clinic Laboratories, Mayo Clinic
Classification: Uncertain significance. Last evaluated: 2025-09-26. Review status: criteria provided, single submitter. Criteria: ACMG Guidelines, 2015. Collection method: clinical testing. Allele origin: germline. Observed: 1 variant allele.
Comment: BP4_moderate

Labcorp Genetics (formerly Invitae), Labcorp
Classification: Uncertain significance. Last evaluated: 2025-01-06. Review status: criteria provided, single submitter. Criteria: Invitae Variant Classification Sherloc (09022015). Collection method: clinical testing. Allele origin: germline.
Comment: This sequence change replaces threonine, which is neutral and polar, with methionine, which is neutral and non-polar, at codon 1004 of the SPTBN2 protein (p.Thr1004Met). This variant is present in population databases (rs746835288, gnomAD 0.002%). This variant has not been reported in the literature in individuals affected with SPTBN2-related conditions. ClinVar contains an entry for this variant (Variation ID: 1513349). Invitae Evidence Modeling of protein sequence and biophysical properties (such as structural, functional, and spatial information, amino acid conservation, physicochemical variation, residue mobility, and thermodynamic stability) indicates that this missense variant is not expected to disrupt SPTBN2 protein function with a negative predictive value of 80%. In summary, the available evidence is currently insufficient to determine the role of this variant in disease. Therefore, it has been classified as a Variant of Uncertain Significance.

NM_006946.4(SPTBN2):c.3011C>T (p.Thr1004Met)

Gene: SPTBN2 (spectrin beta, non-erythrocytic 2; minus strand). Cytogenetic location: 11q13.2.
Variant type: single nucleotide variant.
Coding change: c.3011C>T on transcript NM_006946.4 (MANE Select); coding-DNA position 3011, C replaced by T.
Protein change: p.Thr1004Met; replaces threonine 1004 with methionine.
Molecular consequence: missense variant.
Genome position (GRCh38, 1-based): chr11:66,701,088, G>A on the plus strand (C>T on the coding strand, the complement: SPTBN2 is on the minus strand). VCF-style: chr11-66701088-G-A. GRCh37 (hg19) VCF-style: chr11-66468559-G-A.
Other names: p.Thr1004Met; c.3011C>T (NM_006946.3); short protein forms T1004M.
Identifiers: ClinVar variation 1513349 (VCV001513349.9), dbSNP rs746835288, ClinGen allele CA6128959.
Genomic context (GRCh38, chr11:66,701,088, plus strand): 5'-GCATTTGCCTCTCGAGTCAGTTCGCCCACCCGGGCGGCGATGGCCTCCAGGTCCCGCTCC[G>A]TGCCGGCCAGCTTGCGCTGCAGGGCCAGCACCCCAGCCAGATCGTTGCCTAGGCCCTGGG-3'
Protein context (NP_008877.2, residues 994-1014): VLALQRKLAG[Thr1004Met]ERDLEAIAAR